The following is an entry in ClinVar:

NM_002641.4(PIGA):c.1223C>G (p.Pro408Arg)

Gene: PIGA (phosphatidylinositol glycan anchor biosynthesis class A; minus strand). Cytogenetic location: Xp22.2.
Variant type: single nucleotide variant.
Coding change: c.1223C>G on transcript NM_002641.4 (MANE Select); coding-DNA position 1223, C replaced by G.
Protein change: p.Pro408Arg; replaces proline 408 with arginine.
Molecular consequence: missense variant. On other transcripts: non-coding transcript variant (2).
Genome position (GRCh38, 1-based): chrX:15,321,738, G>C on the plus strand (C>G on the coding strand, the complement: PIGA is on the minus strand). VCF-style: chrX-15321738-G-C. GRCh37 (hg19) VCF-style: chrX-15339860-G-C.
Other names: c.521C>G, p.Pro174Arg (NM_020473.3); short protein forms P174R, P408R.
Identifiers: ClinVar variation 1879750 (VCV001879750.29), dbSNP rs914087630, ClinGen allele CA412334791.

ClinVar aggregate classification (germline): Uncertain significance (1 of 4 stars; one submission).

Allele frequency attached by ClinVar (database versions not stated): gnomAD exomes below 0.00001.
gnomAD v4.1: 2 of 1,209,743 alleles (0.00017%); highest among the groups gnomAD compares: Non-Finnish European, 0.00022%; no homozygotes.

Submission:

CeGaT Center for Human Genetics Tuebingen
Classification: Uncertain significance. Last evaluated: 2022-11-01. Review status: criteria provided, single submitter. Criteria: CeGaT Center For Human Genetics Tuebingen Variant Classification Criteria Version 2. Collection method: clinical testing. Allele origin: germline. Affected: yes. Observed: 1 variant allele.
Comment: PIGA: PM2, BP4, BP5